The following is an entry in ClinVar:

NM_000038.6(APC):c.4325CTC[1] (p.Pro1443del)

Gene: APC (APC regulator of Wnt signaling pathway; plus strand). Cytogenetic location: 5q22.2.
Variant type: Microsatellite.
Coding change: c.4325CTC[1] on transcript NM_000038.6 (MANE Select); one copy of the 3-base unit CTC starting at c.4325; the reference has two copies in a row; one copy, 3 bases deleted; also written c.4328_4330del.
Protein change: p.Pro1443del; deletes proline 1443.
Molecular consequence: inframe deletion.
Genome position (GRCh38, 1-based): chr5:112,839,922-112,839,924, CTC deleted; deleting any 3 consecutive bases within chr5:112,839,918-112,839,924 gives the same sequence; the position shown is the placement nearest the transcript's 3' end. VCF-style (leftmost placement, unchanged base first): chr5-112839917-ACCT-A. GRCh37 (hg19) VCF-style: chr5-112175614-ACCT-A.
Other names: c.4328_4330del (NM_000038.5); c.4325CTC[1], p.Pro1443del (NM_001127510.3, NM_001354895.2); c.4271CTC[1], p.Pro1425del (NM_001127511.3); c.4379CTC[1], p.Pro1461del (NM_001354896.2); c.4355CTC[1], p.Pro1453del (NM_001354897.2); c.4250CTC[1], p.Pro1418del (NM_001354898.2); c.4241CTC[1], p.Pro1415del (NM_001354899.2); c.4202CTC[1], p.Pro1402del (NM_001354900.2); and 6 more; short protein forms P1425del, P1443del, P1461del, P1160del, P1317del, P1342del, P1418del, P1283del.
Identifiers: ClinVar variation 418970 (VCV000418970.17), dbSNP rs1064793557, ClinGen allele CA16618086.
Genomic context (GRCh38, chr5:112,839,917, plus strand): 5'-TGATCTTCCAGATAGCCCTGGACAAACCATGCCACCAAGCAGAAGTAAAACACCTCCACC[ACCT>A]CCTCAAACAGCTCAAACCAAGCGAGAAGTACCTAAAAATAAAGCACCTACTGCTGAAAAG-3'

ClinVar aggregate classification (germline): Uncertain significance. Review status: criteria provided, multiple submitters, no conflicts (2 of 4 stars). 4 submissions from 4 submitters: Uncertain significance (4). Last evaluated 2019-07-23.

Conditions:
Hereditary cancer-predisposing syndrome. Also called: Hereditary neoplastic syndrome; Tumor predisposition; Neoplastic Syndromes, Hereditary; Hereditary Cancer Syndrome. Identifiers: Orphanet 140162, MedGen C0027672, MeSH D009386, MONDO:0015356.
Familial adenomatous polyposis 1 (FAP1). Also called: FAMILIAL ADENOMATOUS POLYPOSIS 1, ATTENUATED; POLYPOSIS, ADENOMATOUS INTESTINAL. Identifiers: MedGen C2713442, MONDO:0021056, OMIM 175100. Disease mechanism: loss of function.

Submissions (4):

Labcorp Genetics (formerly Invitae), Labcorp
Classification: Uncertain significance for Familial adenomatous polyposis 1. Last evaluated: 2019-07-23. Review status: criteria provided, single submitter. Criteria: Invitae Variant Classification Sherloc (09022015). Collection method: clinical testing. Allele origin: germline.
Comment: In summary, the available evidence is currently insufficient to determine the role of this variant in disease. Therefore, it has been classified as a Variant of Uncertain Significance. Experimental studies and prediction algorithms are not available for this variant, and the functional significance of the affected amino acid(s) is currently unknown. This variant has not been reported in the literature in individuals with APC-related conditions. ClinVar contains an entry for this variant (Variation ID: 418970). This variant is not present in population databases (ExAC no frequency). This variant, c.4328_4330del, results in the deletion of 1 amino acid(s) of the APC protein (p.Pro1443del), but otherwise preserves the integrity of the reading frame.

Mendelics
Classification: Uncertain significance for Familial adenomatous polyposis 1. Last evaluated: 2018-07-02. Review status: criteria provided, single submitter. Criteria: Mendelics Assertion Criteria 2017. Collection method: clinical testing. Allele origin: unknown.

Ambry Genetics
Classification: Uncertain significance for Hereditary cancer-predisposing syndrome. Last evaluated: 2017-01-10. Review status: criteria provided, single submitter. Criteria: Ambry Variant Classification Scheme 2023. Collection method: clinical testing. Allele origin: germline.
Comment: The c.4328_4330delCTC variant (also known as p.P1443del) is located in coding exon 15 of the APC gene. This variant results from an in-frame CTC deletion at nucleotide positions 4328 to 4330. This results in the in-frame deletion of a proline at codon 1443. This amino acid position is well conserved in available vertebrate species. Since supporting evidence is limited at this time, the clinical significance of this alteration remains unclear.

GeneDx
Classification: Uncertain significance. Last evaluated: 2015-05-01. Review status: criteria provided, single submitter. Criteria: GeneDx Variant Classification (06012015). Collection method: clinical testing. Allele origin: germline. Affected: yes.
Comment: This deletion of 3 nucleotides in APC is denoted c.4328_4330delCTC at the cDNA level and p.P1443del at the protein level. The normal sequence, with the bases that are deleted in braces, is CCTC[CTC]AAAC. This in frame deletion of a single Proline residue occurs at a position that is conserved through mammals and is located in the 20-amino acid repeat ÃŸ-catenin binding domain (Azzopardi 2008). This variant has not, to our knowledge, been published in the literature as pathogenic or benign. Since in frame deletions may or may not inhibit proper protein functioning, the clinical significance of this finding remains unclear at this time and we consider APC P1443del to be a variant of uncertain significance.